The following is an entry in ClinVar:

ClinVar aggregate classification (germline): Uncertain significance (1 of 4 stars; one submission).

Allele frequency attached by ClinVar (database versions not stated): gnomAD exomes below 0.00001; TOPMed 0.00001; ExAC 0.00002.
gnomAD v4.1: 6 of 1,613,038 alleles (0.00037%); highest among the groups gnomAD compares: Admixed American, 0.0083%; no homozygotes.

Submission:

Labcorp Genetics (formerly Invitae), Labcorp
Classification: Uncertain significance. Last evaluated: 2024-05-21. Review status: criteria provided, single submitter. Criteria: Invitae Variant Classification Sherloc (09022015). Collection method: clinical testing. Allele origin: germline.
Comment: This sequence change replaces valine, which is neutral and non-polar, with isoleucine, which is neutral and non-polar, at codon 307 of the EFTUD2 protein (p.Val307Ile). This variant is present in population databases (rs780542105, gnomAD 0.01%). This variant has not been reported in the literature in individuals affected with EFTUD2-related conditions. Advanced modeling of protein sequence and biophysical properties (such as structural, functional, and spatial information, amino acid conservation, physicochemical variation, residue mobility, and thermodynamic stability) performed at Invitae indicates that this missense variant is not expected to disrupt EFTUD2 protein function with a negative predictive value of 80%. In summary, the available evidence is currently insufficient to determine the role of this variant in disease. Therefore, it has been classified as a Variant of Uncertain Significance.

NM_004247.4(EFTUD2):c.919G>A (p.Val307Ile)

Gene: EFTUD2 (elongation factor Tu GTP binding domain containing 2; minus strand). Cytogenetic location: 17q21.31.
Variant type: single nucleotide variant.
Coding change: c.919G>A on transcript NM_004247.4 (MANE Select); coding-DNA position 919, G replaced by A.
Protein change: p.Val307Ile; replaces valine 307 with isoleucine.
Molecular consequence: missense variant.
Genome position (GRCh38, 1-based): chr17:44,872,521, C>T on the plus strand (G>A on the coding strand, the complement: EFTUD2 is on the minus strand). VCF-style: chr17-44872521-C-T. GRCh37 (hg19) VCF-style: chr17-42949889-C-T.
Other names: c.814G>A, p.Val272Ile (NM_001142605.2); c.919G>A, p.Val307Ile (NM_001258353.2); c.889G>A, p.Val297Ile (NM_001258354.2); short protein forms V272I, V297I, V307I.
Identifiers: ClinVar variation 2996531 (VCV002996531.3), dbSNP rs780542105, ClinGen allele CA8607950.
Genomic context (GRCh38, chr17:44,872,521, plus strand): 5'-AGATCTTGGCAAAGGAGCCCAGCGTGAAGCAGATGCTGTACTGGGAGCTGGAGAAGCAGA[C>T]GTTACCCAGGAGTGGGGAAAGGATCAGGTTCTCATCAGTGGAATACATGCTGAAACAGAG-3'
Protein context (NP_004238.3, residues 297-317): NLILSPLLGN[Val307Ile]CFSSSQYSIC